The following is an entry in ClinVar:

NC_000002.12:g.(?_237333450)_(237334889_?)del

Gene: COL6A3 (collagen type VI alpha 3 chain; minus strand). Cytogenetic location: 2q37.3.
Variant type: Deletion.
Identifiers: ClinVar variation 476403 (VCV000476403.1).

ClinVar aggregate classification (germline): Uncertain significance (1 of 4 stars; one submission).

Conditions:
Bethlem myopathy 1A. Also called: Bethlem Muscular Dystrophy; MYOPATHY, BENIGN CONGENITAL, WITH CONTRACTURES; Bethlem myopathy 1. Identifiers: Orphanet 610, MedGen CN029274, MONDO:0024530, OMIM 158810.

Submission:

Labcorp Genetics (formerly Invitae), Labcorp
Classification: Uncertain significance for Bethlem myopathy 1A. Last evaluated: 2016-10-09. Review status: criteria provided, single submitter. Criteria: Invitae Variant Classification Sherloc (09022015). Collection method: clinical testing. Allele origin: germline.
Comment: This variant is a gross deletion of the genomic region encompassing exons 41-42 of the COL6A3 gene. This leads to an in-frame deletion, preserving the integrity of the reading frame. This variant has not been reported in the literature in an individual with a COL6A3-related disease. Experimental studies and prediction algorithms are not available for this variant, and the functional significance of the deleted amino acids is currently unknown. In summary, the impact of this deletion on COL6A3 protein function has not been established. Therefore, it has been classified as a Variant of Unknown Significance.